The following is an entry in ClinVar:

ClinVar aggregate classification (germline): Uncertain significance (1 of 4 stars; one submission).

Conditions:
T-B+ severe combined immunodeficiency due to JAK3 deficiency. Also called: SCID, autosomal recessive, T-negative/B-positive type; SCID, T CELL-NEGATIVE, B CELL-POSITIVE, NK CELL-NEGATIVE. Identifiers: Orphanet 35078, MedGen C1833275, MONDO:0010938, OMIM 600802.

Allele frequency attached by ClinVar (database versions not stated): gnomAD exomes 0.00002; gnomAD 0.00003; TOPMed 0.00004; ESP Exome Variant Server 0.00008.
gnomAD v4.1: 32 of 1,570,992 alleles (0.002%); highest among the groups gnomAD compares: Admixed American, 0.013%; no homozygotes.

Submission:

Labcorp Genetics (formerly Invitae), Labcorp
Classification: Uncertain significance for T-B+ severe combined immunodeficiency due to JAK3 deficiency. Last evaluated: 2022-05-03. Review status: criteria provided, single submitter. Criteria: Invitae Variant Classification Sherloc (09022015). Collection method: clinical testing. Allele origin: germline.
Comment: This sequence change replaces arginine, which is basic and polar, with glutamine, which is neutral and polar, at codon 582 of the JAK3 protein (p.Arg582Gln). The frequency data for this variant in the population databases is considered unreliable, as metrics indicate poor data quality at this position in the gnomAD database. This variant has not been reported in the literature in individuals affected with JAK3-related conditions. Algorithms developed to predict the effect of missense changes on protein structure and function output the following: SIFT: "Tolerated"; PolyPhen-2: "Benign"; Align-GVGD: "Class C0". The glutamine amino acid residue is found in multiple mammalian species, which suggests that this missense change does not adversely affect protein function. This variant disrupts the p.Arg582 amino acid residue in JAK3. Other variant(s) that disrupt this residue have been determined to be pathogenic (PMID: 9753072, 21184155, 30697212, 33365035). This suggests that this residue is clinically significant, and that variants that disrupt this residue are likely to be disease-causing. In summary, the available evidence is currently insufficient to determine the role of this variant in disease. Therefore, it has been classified as a Variant of Uncertain Significance.

Literature cited by the submitters: PubMed 9753072; PubMed 21184155; PubMed 30697212; PubMed 33365035.

NM_000215.4(JAK3):c.1745G>A (p.Arg582Gln)

Gene: JAK3 (Janus kinase 3; minus strand). Cytogenetic location: 19p13.11.
Variant type: single nucleotide variant.
Coding change: c.1745G>A on transcript NM_000215.4 (MANE Select); coding-DNA position 1745, G replaced by A.
Protein change: p.Arg582Gln; replaces arginine 582 with glutamine.
Molecular consequence: missense variant.
Genome position (GRCh38, 1-based): chr19:17,837,170, C>T on the plus strand (G>A on the coding strand, the complement: JAK3 is on the minus strand). VCF-style: chr19-17837170-C-T. GRCh37 (hg19) VCF-style: chr19-17947979-C-T.
Other names: short protein forms R582Q.
Identifiers: ClinVar variation 2144634 (VCV002144634.1), dbSNP rs368885175, ClinGen allele CA306131958.